The following is an entry in ClinVar:

ClinVar aggregate classification (germline): Uncertain significance (1 of 4 stars; one submission).

Conditions:
Autosomal dominant nonsyndromic hearing loss 1. Also called: DEAFNESS, AUTOSOMAL DOMINANT 1, WITH OR WITHOUT THROMBOCYTOPENIA; KONIGSMARK SYNDROME. Identifiers: Orphanet 90635, MedGen C1852282, MONDO:0007424, OMIM 124900.
Progressive microcephaly-seizures-cortical blindness-developmental delay syndrome. Also called: Seizures, cortical blindness, and microcephaly syndrome. Identifiers: Orphanet 477814, MedGen C5567650, MONDO:0014714, OMIM 616632.

Allele frequency attached by ClinVar (database versions not stated): gnomAD exomes below 0.00001; gnomAD 0.00001.
gnomAD v4.1: 6 of 1,367,966 alleles (0.00044%); highest among the groups gnomAD compares: African/African-American, 0.003%; no homozygotes.

Submission:

Labcorp Genetics (formerly Invitae), Labcorp
Classification: Uncertain significance for Progressive microcephaly-seizures-cortical blindness-developmental delay syndrome; Autosomal dominant nonsyndromic hearing loss 1. Last evaluated: 2025-12-21. Review status: criteria provided, single submitter. Criteria: Invitae Variant Classification Sherloc (09022015). Collection method: clinical testing. Allele origin: germline.
Comment: This sequence change replaces proline, which is neutral and non-polar, with serine, which is neutral and polar, at codon 691 of the DIAPH1 protein (p.Pro691Ser). This variant is not present in population databases (gnomAD no frequency). This variant has not been reported in the literature in individuals affected with DIAPH1-related conditions. ClinVar contains an entry for this variant (Variation ID: 842455). Experimental studies and prediction algorithms are not available or were not evaluated, and the functional significance of this variant is currently unknown. In summary, the available evidence is currently insufficient to determine the role of this variant in disease. Therefore, it has been classified as a Variant of Uncertain Significance.

NM_005219.5(DIAPH1):c.2071C>T (p.Pro691Ser)

Gene: DIAPH1 (diaphanous related formin 1; minus strand). Cytogenetic location: 5q31.3.
Variant type: single nucleotide variant.
Coding change: c.2071C>T on transcript NM_005219.5 (MANE Select); coding-DNA position 2071, C replaced by T.
Protein change: p.Pro691Ser; replaces proline 691 with serine.
Molecular consequence: missense variant.
Genome position (GRCh38, 1-based): chr5:141,573,779, G>A on the plus strand (C>T on the coding strand, the complement: DIAPH1 is on the minus strand). VCF-style: chr5-141573779-G-A. GRCh37 (hg19) VCF-style: chr5-140953346-G-A.
Other names: c.2044C>T, p.Pro682Ser (NM_001079812.3); c.2071C>T, p.Pro691Ser (NM_001314007.2); short protein forms P682S, P691S.
Identifiers: ClinVar variation 842455 (VCV000842455.10), dbSNP rs1334098898, ClinGen allele CA361518490.